The following is an entry in ClinVar:

ClinVar aggregate classification (germline): Uncertain significance (1 of 4 stars; one submission).

Conditions:
Severe myoclonic epilepsy in infancy (DRVT). Also called: Severe Myoclonic Epilepsy in Infancy (SMEI); Dravet syndrome; SEVERE MYOCLONIC EPILEPSY OF INFANCY; Epileptic encephalopathy, early infantile, 6 (Dravet syndrome); DEVELOPMENTAL AND EPILEPTIC ENCEPHALOPATHY 6A. Identifiers: Orphanet 33069, MedGen C0751122, MONDO:0100135, OMIM 607208.

Allele frequency attached by ClinVar (database versions not stated): gnomAD 0.00003 and 0.00004; ExAC 0.00004; gnomAD exomes 0.00005 and 0.00006; TOPMed 0.00006; ESP Exome Variant Server 0.00008.
gnomAD v4.1: 81 of 1,613,862 alleles (0.005%); highest among the groups gnomAD compares: Admixed American, 0.02%; no homozygotes.

Submission:

Labcorp Genetics (formerly Invitae), Labcorp
Classification: Uncertain significance for Severe myoclonic epilepsy in infancy. Last evaluated: 2024-10-23. Review status: criteria provided, single submitter. Criteria: Invitae Variant Classification Sherloc (09022015). Collection method: clinical testing. Allele origin: germline.
Comment: This sequence change replaces asparagine, which is neutral and polar, with serine, which is neutral and polar, at codon 373 of the SNX27 protein (p.Asn373Ser). This variant is present in population databases (rs149636067, gnomAD 0.02%). This variant has not been reported in the literature in individuals affected with SNX27-related conditions. ClinVar contains an entry for this variant (Variation ID: 659032). An algorithm developed to predict the effect of missense changes on protein structure and function (PolyPhen-2) suggests that this variant¬†is likely to be tolerated. In summary, the available evidence is currently insufficient to determine the role of this variant in disease. Therefore, it has been classified as a Variant of Uncertain Significance.

NM_001330723.2(SNX27):c.1118A>G (p.Asn373Ser)

Gene: SNX27 (sorting nexin 27; plus strand). Cytogenetic location: 1q21.3.
Variant type: single nucleotide variant.
Coding change: c.1118A>G on transcript NM_001330723.2 (MANE Select); coding-DNA position 1118, A replaced by G.
Protein change: p.Asn373Ser; replaces asparagine 373 with serine.
Molecular consequence: missense variant.
Genome position (GRCh38, 1-based): chr1:151,668,604, A>G. VCF-style: chr1-151668604-A-G. GRCh37 (hg19) VCF-style: chr1-151641080-A-G.
Other names: c.1118A>G, p.Asn373Ser (NM_030918.6); short protein forms N373S.
Identifiers: ClinVar variation 659032 (VCV000659032.7), dbSNP rs149636067, ClinGen allele CA1093581.